The following is an entry in ClinVar:

ClinVar aggregate classification (germline): Benign (1 of 4 stars; one submission).

Allele frequency attached by ClinVar (database versions not stated): 1000 Genomes Project 30x 0.13741; 1000 Genomes Project 0.13239; TOPMed 0.10626.

Submission:

GeneDx
Classification: Benign. Last evaluated: 2018-06-14. Review status: criteria provided, single submitter. Criteria: GeneDx Variant Classification (06012015). Collection method: clinical testing. Allele origin: germline. Affected: yes.
Comment: This variant is considered likely benign or benign based on one or more of the following criteria: it is a conservative change, it occurs at a poorly conserved position in the protein, it is predicted to be benign by multiple in silico algorithms, and/or has population frequency not consistent with disease.

NM_003283.6(TNNT1):c.193-174T>A

Gene: TNNT1 (troponin T1, slow skeletal type; minus strand). Cytogenetic location: 19q13.42.
Variant type: single nucleotide variant.
Coding change: c.193-174T>A on transcript NM_003283.6 (MANE Select); 174 bases into the intron before coding-DNA position 193, T replaced by A.
Molecular consequence: intron variant.
Genome position (GRCh38, 1-based): chr19:55,141,476, A>T on the plus strand (T>A on the coding strand, the complement: TNNT1 is on the minus strand). VCF-style: chr19-55141476-A-T. GRCh37 (hg19) VCF-style: chr19-55652844-A-T.
Other names: c.160-174T>A (NM_001126133.3, NM_001291774.2); c.193-174T>A (NM_001126132.3).
Identifiers: ClinVar variation 674431 (VCV000674431.1), dbSNP rs77827923, ClinGen allele CA310135219.